The following is an entry in ClinVar:

NM_004006.3(DMD):c.8705G>A (p.Arg2902Gln)

Gene: DMD (dystrophin; minus strand). Cytogenetic location: Xp21.2.
Variant type: single nucleotide variant.
Coding change: c.8705G>A on transcript NM_004006.3 (MANE Select); coding-DNA position 8705, G replaced by A.
Protein change: p.Arg2902Gln; replaces arginine 2902 with glutamine.
Molecular consequence: missense variant.
Genome position (GRCh38, 1-based): chrX:31,478,338, C>T on the plus strand (G>A on the coding strand, the complement: DMD is on the minus strand). VCF-style: chrX-31478338-C-T. GRCh37 (hg19) VCF-style: chrX-31496455-C-T.
Other names: c.8681G>A, p.Arg2894Gln (NM_000109.4); c.8693G>A, p.Arg2898Gln (NM_004009.3); c.8336G>A, p.Arg2779Gln (NM_004010.3); c.4682G>A, p.Arg1561Gln (NM_004011.4); c.4673G>A, p.Arg1558Gln (NM_004012.4); c.1325G>A, p.Arg442Gln (NM_004013.3, NM_004020.4, NM_004021.3 and 2 more transcripts); c.518G>A, p.Arg173Gln (NM_004014.3); short protein forms R2902Q, R1558Q, R1561Q, R173Q, R2779Q, R2894Q, R2898Q, R442Q.
Identifiers: ClinVar variation 593481 (VCV000593481.24), dbSNP rs754308757, ClinGen allele CA10377999.

ClinVar aggregate classification (germline): Conflicting classifications of pathogenicity. Review status: criteria provided, conflicting classifications (1 of 4 stars). 6 submissions from 6 submitters: Uncertain significance (3); Likely benign (3). Last evaluated 2025-10-29.

Conditions:
Cardiovascular phenotype. Identifiers: MedGen CN230736.
Dilated cardiomyopathy 3B (CMD3B). Also called: CMD3B: DMD-Related Dilated Cardiomyopathy; CARDIOMYOPATHY, DILATED, X-LINKED; DMD-Associated Dilated Cardiomyopathy. Identifiers: Orphanet 154, MedGen C3668940, MONDO:0010542, OMIM 302045.
Duchenne muscular dystrophy (DMD). Also called: Duchenne Muscular Dystrophy (DMD); MUSCULAR DYSTROPHY, PSEUDOHYPERTROPHIC PROGRESSIVE, DUCHENNE TYPE. Identifiers: Orphanet 98896, MedGen C0013264, MONDO:0010679, OMIM 310200.
Becker muscular dystrophy (BMD). Also called: MUSCULAR DYSTROPHY, PSEUDOHYPERTROPHIC PROGRESSIVE, BECKER TYPE; Becker Muscular Dystrophy (BMD). Identifiers: Orphanet 98895, MedGen C0917713, MONDO:0010311, OMIM 300376.

Allele frequency attached by ClinVar (database versions not stated): gnomAD 0.00001; gnomAD exomes 0.00002 and 0.00005; ExAC 0.00003; TOPMed 0.00003.
gnomAD v4.1: 18 of 1,209,525 alleles (0.0015%); highest among the groups gnomAD compares: East Asian, 0.012%; no homozygotes.

Submissions (6):

Labcorp Genetics (formerly Invitae), Labcorp
Classification: Likely benign for Duchenne muscular dystrophy. Last evaluated: 2025-10-29. Review status: criteria provided, single submitter. Criteria: Invitae Variant Classification Sherloc (09022015). Collection method: clinical testing. Allele origin: germline.

Revvity Omics, Revvity
Classification: Uncertain significance. Last evaluated: 2023-06-15. Review status: criteria provided, single submitter. Criteria: ACMG Guidelines, 2015. Collection method: clinical testing. Allele origin: germline.

Ambry Genetics
Classification: Uncertain significance for Cardiovascular phenotype. Last evaluated: 2022-03-14. Review status: criteria provided, single submitter. Criteria: Ambry Variant Classification Scheme 2023. Collection method: clinical testing. Allele origin: germline.
Comment: The p.R2902Q variant (also known as c.8705G>A), located in coding exon 59 of the DMD gene, results from a G to A substitution at nucleotide position 8705. The arginine at codon 2902 is replaced by glutamine, an amino acid with highly similar properties. This amino acid position is well conserved in available vertebrate species. In addition, this alteration is predicted to be tolerated by in silico analysis. Since supporting evidence is limited at this time, the clinical significance of this alteration remains unclear.

GeneDx
Classification: Likely benign. Last evaluated: 2018-04-05. Review status: criteria provided, single submitter. Criteria: GeneDx Variant Classification (06012015). Collection method: clinical testing. Allele origin: germline. Affected: yes.
Comment: This variant is considered likely benign or benign based on one or more of the following criteria: it is a conservative change, it occurs at a poorly conserved position in the protein, it is predicted to be benign by multiple in silico algorithms, and/or has population frequency not consistent with disease.

Eurofins Ntd Llc (ga)
Classification: Uncertain significance. Last evaluated: 2017-08-09. Review status: criteria provided, single submitter. Criteria: EGL Classification Definitions 2015. Collection method: clinical testing. Allele origin: germline.

Juno Genomics, Hangzhou Juno Genomics, Inc
Classification: Likely benign for Becker muscular dystrophy; Dilated cardiomyopathy 3B; Duchenne muscular dystrophy. Review status: criteria provided, single submitter. Criteria: ACMG Guidelines, 2015. Collection method: clinical testing. Allele origin: germline.
Comment: Absent from controls (or at extremely low frequency if recessive) in Genome Aggregation Database.;Observed in a healthy adult individual for a recessive/dominant/X-linked disorder with full penetrance.;Multiple lines of computational evidence suggest no impact on gene or gene product.